The following is an entry in ClinVar:

NM_003919.3(SGCE):c.890A>G (p.Asp297Gly)

Genes: CASD1 (CAS1 domain sialic acid O acetyltransferase 1; plus strand), SGCE (sarcoglycan epsilon; minus strand). Cytogenetic location: 7q21.3.
Variant type: single nucleotide variant.
Coding change: c.890A>G on transcript NM_003919.3 (MANE Select); coding-DNA position 890, A replaced by G.
Protein change: p.Asp297Gly; replaces aspartic acid 297 with glycine.
Molecular consequence: missense variant.
Genome position (GRCh38, 1-based): chr7:94,600,793, T>C on the plus strand (A>G on the coding strand, the complement: SGCE is on the minus strand). VCF-style: chr7-94600793-T-C. GRCh37 (hg19) VCF-style: chr7-94230105-T-C.
Other names: c.890A>G, p.Asp297Gly (NM_001099400.2, NM_001099401.2, NM_001346717.2); c.767A>G, p.Asp256Gly (NM_001301139.2, NM_001362809.2); c.998A>G, p.Asp333Gly (NM_001346713.2, NM_001346715.2); c.803A>G, p.Asp268Gly (NM_001346719.2, NM_001362807.2); c.617A>G, p.Asp206Gly (NM_001346720.2, NM_001362808.2); short protein forms D206G, D268G, D256G, D297G, D333G.
Identifiers: ClinVar variation 2990376 (VCV002990376.3), dbSNP rs2484944952, ClinGen allele CA368231079.
Genomic context (GRCh38, chr7:94,600,793, plus strand): 5'-AAATCCGTGTAATAGTCTCTGCTTTTCAAAGAATCAGAAGGGGGTTTGTATTCTCCACCA[T>C]CAGGTAAAATCCCCTCTCCACGAATCACTTCCTGATAGGTGGACACTTGCTTTGTTTTAT-3'
Protein context (NP_003910.1, residues 287-307): EVIRGEGILP[Asp297Gly]GGEYKPPSDS

ClinVar aggregate classification (germline): Uncertain significance (1 of 4 stars; one submission).

Conditions:
Myoclonic dystonia 11 (DYT11). Also called: Myoclonic dystonia; Dystonia 11; Dystonia, alcohol responsive; Hereditary essential myoclonus; SGCE Myoclonus-Dystonia; Myoclonus-Dystonia. Identifiers: Orphanet 36899, MedGen C1834570, MONDO:0008044, OMIM 159900.

gnomAD v4.1: 3 of 1,613,422 alleles (0.00019%); highest among the groups gnomAD compares: Non-Finnish European, 0.00025%; no homozygotes.

Submission:

Labcorp Genetics (formerly Invitae), Labcorp
Classification: Uncertain significance for Myoclonic dystonia 11. Last evaluated: 2023-12-19. Review status: criteria provided, single submitter. Criteria: Invitae Variant Classification Sherloc (09022015). Collection method: clinical testing. Allele origin: germline.
Comment: This sequence change replaces aspartic acid, which is acidic and polar, with glycine, which is neutral and non-polar, at codon 297 of the SGCE protein (p.Asp297Gly). This variant is not present in population databases (gnomAD no frequency). This variant has not been reported in the literature in individuals affected with SGCE-related conditions. Advanced modeling of protein sequence and biophysical properties (such as structural, functional, and spatial information, amino acid conservation, physicochemical variation, residue mobility, and thermodynamic stability) performed at Invitae indicates that this missense variant is not expected to disrupt SGCE protein function with a negative predictive value of 80%. In summary, the available evidence is currently insufficient to determine the role of this variant in disease. Therefore, it has been classified as a Variant of Uncertain Significance.